The following is an entry in ClinVar:

NM_000179.3(MSH6):c.2363T>C (p.Ile788Thr)

Gene: MSH6 (mutS homolog 6; plus strand). Cytogenetic location: 2p16.3.
Variant type: single nucleotide variant.
Coding change: c.2363T>C on transcript NM_000179.3 (MANE Select); coding-DNA position 2363, T replaced by C.
Protein change: p.Ile788Thr; replaces isoleucine 788 with threonine.
Molecular consequence: missense variant.
Genome position (GRCh38, 1-based): chr2:47,800,346, T>C. VCF-style: chr2-47800346-T-C. GRCh37 (hg19) VCF-style: chr2-48027485-T-C.
Other names: c.1973T>C, p.Ile658Thr (NM_001281492.2); c.1457T>C, p.Ile486Thr (NM_001281493.2, NM_001281494.2); short protein forms I486T, I788T, I658T.
Identifiers: ClinVar variation 926857 (VCV000926857.20), dbSNP rs1669453750, ClinGen allele CA346753625.

ClinVar aggregate classification (germline): Uncertain significance. Review status: criteria provided, multiple submitters, no conflicts (2 of 4 stars). 2 submissions from 2 submitters: Uncertain significance (2). Last evaluated 2024-08-01.

Conditions:
Hereditary cancer-predisposing syndrome. Also called: Neoplastic Syndromes, Hereditary; Tumor predisposition; Hereditary neoplastic syndrome; Hereditary Cancer Syndrome. Identifiers: Orphanet 140162, MedGen C0027672, MeSH D009386, MONDO:0015356.

Submissions (2):

CeGaT Center for Human Genetics Tuebingen
Classification: Uncertain significance. Last evaluated: 2024-08-01. Review status: criteria provided, single submitter. Criteria: CeGaT Center For Human Genetics Tuebingen Variant Classification Criteria Version 2. Collection method: clinical testing. Allele origin: germline. Affected: yes. Observed: 1 variant allele.
Comment: MSH6: PM2, BP1

Color Diagnostics, LLC DBA Color Health
Classification: Uncertain significance for Hereditary cancer-predisposing syndrome. Last evaluated: 2023-12-04. Review status: criteria provided, single submitter. Criteria: ACMG Guidelines, 2015. Collection method: clinical testing. Allele origin: germline.
Comment: This missense variant replaces isoleucine with threonine at codon 788 of the MSH6 protein. Computational prediction suggests that this variant may have deleterious impact on protein structure and function (internally defined REVEL score threshold >= 0.7, PMID: 27666373). To our knowledge, functional studies have not been reported for this variant. This variant has not been reported in individuals affected with MSH6-related disorders in the literature. This variant has not been identified in the general population by the Genome Aggregation Database (gnomAD). The available evidence is insufficient to determine the role of this variant in disease conclusively. Therefore, this variant is classified as a Variant of Uncertain Significance.